The following is an entry in ClinVar:

NM_022455.5(NSD1):c.6058A>C (p.Asn2020His)

Gene: NSD1 (nuclear receptor binding SET domain protein 1; plus strand). Cytogenetic location: 5q35.3.
Variant type: single nucleotide variant.
Coding change: c.6058A>C on transcript NM_022455.5 (MANE Select); coding-DNA position 6058, A replaced by C.
Protein change: p.Asn2020His; replaces asparagine 2020 with histidine.
Molecular consequence: missense variant. On other transcripts: intron variant (1).
Genome position (GRCh38, 1-based): chr5:177,283,835, A>C. VCF-style: chr5-177283835-A-C. GRCh37 (hg19) VCF-style: chr5-176710836-A-C.
Other names: c.5185A>C, p.Asn1729His (NM_001365684.2, NM_001409308.1, NM_172349.5); c.6058A>C, p.Asn2020His (NM_001409301.1, NM_001409302.1, NM_001409303.1); c.5638A>C, p.Asn1880His (NM_001409304.1); c.5305A>C, p.Asn1769His (NM_001409305.1); c.5296A>C, p.Asn1766His (NM_001409306.1, NM_001409307.1); c.5136+1254A>C (NM_001409309.1); short protein forms N1729H, N1766H, N1769H, N1880H, N2020H.
Identifiers: ClinVar variation 3602586 (VCV003602586.1).

ClinVar aggregate classification (germline): Likely pathogenic (1 of 4 stars; one submission).

Conditions:
Sotos syndrome (SOTOS). Also called: Distinctive facial appearance, overgrowth in childhood, and learning disabilities or delayed development; SOTOS SYNDROME 1; CHROMOSOME 5q35 DELETION SYNDROME; CEREBRAL GIGANTISM; Sotos' syndrome. Identifiers: Orphanet 821, MedGen C0175695, MONDO:0019349, OMIM 117550.

Submission:

Clinical Genomics Laboratory, Washington University in St. Louis
Classification: Likely pathogenic for Sotos syndrome. Last evaluated: 2024-01-09. Review status: criteria provided, single submitter. Criteria: ACMG Guidelines, 2015. Collection method: clinical testing. Allele origin: germline. Affected: yes.
Comment: The NSD1 c.6058A>C (p.Asn2020His) variant, to our knowledge, has not been reported in the medical literature and is absent from the general population (gnomAD v.2.1.1), indicating it is not a common variant. This variant resides within the SET domain, amino acids 1942-2059, of NSD1 that is defined as a critical functional domain (Ha K et al., PMID: 27834868; Rayasam GV et al., PMID: 12805229; Tatton-Brown K et al., PMID: 15942875). Another variant in the same codon, c.6059A>G (p.Asn2020Ser), has been reported in an affected individual and was reported as pathogenic (Waggoner DJ et al., PMID: 16247291, ClinVar Variation ID: 159399). Computational predictors indicate that this variant is damaging, evidence that correlates with impact to NSD1 function. Based on available information and the ACMG/AMP guidelines for variant interpretation (Richards S et al., PMID: 25741868), this variant is classified as likely pathogenic.